The following is an entry in ClinVar:

NM_004654.4(USP9Y):c.6384C>T (p.Ser2128=)

Gene: USP9Y (ubiquitin specific peptidase 9 Y-linked; plus strand). Cytogenetic location: Yq11.221.
Variant type: single nucleotide variant.
Coding change: c.6384C>T on transcript NM_004654.4 (MANE Select); coding-DNA position 6384, C replaced by T.
Protein change: p.Ser2128=; no amino-acid change (serine 2128 retained).
Molecular consequence: synonymous variant.
Genome position (GRCh38, 1-based): chrY:12,842,411, C>T. VCF-style: chrY-12842411-C-T. GRCh37 (hg19) VCF-style: chrY-14954337-C-T.
Identifiers: ClinVar variation 2661890 (VCV002661890.25), dbSNP rs200311491, ClinGen allele CA10573477.

ClinVar aggregate classification (germline): Likely benign. Review status: criteria provided, multiple submitters, no conflicts (2 of 4 stars). 2 submissions from 2 submitters: Likely benign (2). Last evaluated 2024-08-14.

Allele frequency attached by ClinVar (database versions not stated): gnomAD 0.00006; ExAC 0.00009; ESP Exome Variant Server 0.00041.

Submissions (2):

Blueprint Genetics
Classification: Likely benign. Last evaluated: 2024-08-14. Review status: criteria provided, single submitter. Criteria: ACMG Guidelines, 2015. Collection method: clinical testing. Allele origin: germline.

CeGaT Center for Human Genetics Tuebingen
Classification: Likely benign. Last evaluated: 2023-03-01. Review status: criteria provided, single submitter. Criteria: CeGaT Center For Human Genetics Tuebingen Variant Classification Criteria Version 2. Collection method: clinical testing. Allele origin: germline. Affected: yes. Observed: 1 variant allele.
Comment: USP9Y: BP4, BP7